The following is an entry in ClinVar:

ClinVar aggregate classification (germline): Uncertain significance. Review status: criteria provided, multiple submitters, no conflicts (2 of 4 stars). 2 submissions from 2 submitters: Uncertain significance (2). Last evaluated 2025-08-17.

Allele frequency attached by ClinVar (database versions not stated): gnomAD 0.00003; TOPMed 0.00003; ExAC 0.00006; gnomAD exomes 0.00007.

Submissions (2):

Labcorp Genetics (formerly Invitae), Labcorp
Classification: Uncertain significance. Last evaluated: 2025-08-17. Review status: criteria provided, single submitter. Criteria: Invitae Variant Classification Sherloc (09022015). Collection method: clinical testing. Allele origin: germline.
Comment: This sequence change replaces phenylalanine, which is neutral and non-polar, with serine, which is neutral and polar, at codon 633 of the ARHGAP24 protein (p.Phe633Ser). This variant is present in population databases (rs749403214, gnomAD 0.008%). This variant has not been reported in the literature in individuals affected with ARHGAP24-related conditions. ClinVar contains an entry for this variant (Variation ID: 3128664). An algorithm developed to predict the effect of missense changes on protein structure and function (PolyPhen-2) suggests that this variant is likely to be disruptive. In summary, the available evidence is currently insufficient to determine the role of this variant in disease. Therefore, it has been classified as a Variant of Uncertain Significance.

Ambry Genetics
Classification: Uncertain significance. Last evaluated: 2023-12-16. Review status: criteria provided, single submitter. Criteria: Ambry Variant Classification Scheme 2023. Collection method: clinical testing. Allele origin: germline.

NM_001025616.3(ARHGAP24):c.1898T>C (p.Phe633Ser)

Gene: ARHGAP24 (Rho GTPase activating protein 24; plus strand). Cytogenetic location: 4q21.23.
Variant type: single nucleotide variant.
Coding change: c.1898T>C on transcript NM_001025616.3 (MANE Select); coding-DNA position 1898, T replaced by C.
Protein change: p.Phe633Ser; replaces phenylalanine 633 with serine.
Molecular consequence: missense variant.
Genome position (GRCh38, 1-based): chr4:85,995,552, T>C. VCF-style: chr4-85995552-T-C. GRCh37 (hg19) VCF-style: chr4-86916705-T-C.
Other names: c.1613T>C, p.Phe538Ser (NM_001042669.2); c.1643T>C, p.Phe548Ser (NM_001287805.2); c.1319T>C, p.Phe440Ser (NM_001346093.2); c.1619T>C, p.Phe540Ser (NM_031305.3); short protein forms F548S, F538S, F540S, F633S, F440S.
Identifiers: ClinVar variation 3128664 (VCV003128664.2), dbSNP rs749403214, ClinGen allele CA2994816.